The following is an entry in ClinVar:

NM_020066.5(FMN2):c.1724G>A (p.Ser575Asn)

Gene: FMN2 (formin 2; plus strand). Cytogenetic location: 1q43.
Variant type: single nucleotide variant.
Coding change: c.1724G>A on transcript NM_020066.5 (MANE Select); coding-DNA position 1724, G replaced by A.
Protein change: p.Ser575Asn; replaces serine 575 with asparagine.
Molecular consequence: missense variant.
Genome position (GRCh38, 1-based): chr1:240,123,287, G>A. VCF-style: chr1-240123287-G-A. GRCh37 (hg19) VCF-style: chr1-240286587-G-A.
Other names: c.1724G>A, p.Ser575Asn (NM_001305424.2, NM_001348094.2); short protein forms S575N.
Identifiers: ClinVar variation 3369593 (VCV003369593.1).

ClinVar aggregate classification (germline): Uncertain significance (1 of 4 stars; one submission).

gnomAD v4.1: 8 of 1,613,980 alleles (0.0005%); highest among the groups gnomAD compares: South Asian, 0.0022%; no homozygotes.

Submission:

GeneDx
Classification: Uncertain significance. Last evaluated: 2024-02-23. Review status: criteria provided, single submitter. Criteria: GeneDx Variant Classification Process June 2021. Collection method: clinical testing. Allele origin: germline. Affected: yes.
Comment: In silico analysis supports that this missense variant has a deleterious effect on protein structure/function; Has not been previously published as pathogenic or benign to our knowledge